The following is an entry in ClinVar:

NM_000548.5(TSC2):c.4662+5G>A

Gene: TSC2 (TSC complex subunit 2; plus strand). Cytogenetic location: 16p13.3.
Variant type: single nucleotide variant.
Coding change: c.4662+5G>A on transcript NM_000548.5 (MANE Select); 5 bases into the intron after coding-DNA position 4662, G replaced by A.
Molecular consequence: intron variant.
Genome position (GRCh38, 1-based): chr16:2,085,327, G>A. VCF-style: chr16-2085327-G-A. GRCh37 (hg19) VCF-style: chr16-2135328-G-A.
Other names: c.4593+5G>A (NM_001114382.3); c.4533+5G>A (NM_021055.3, NM_001370405.1); c.4464+5G>A (NM_001363528.2); c.4530+5G>A (NM_001370404.1); c.4461+5G>A (NM_001077183.3); c.4353+5G>A (NM_001318827.2); c.3930+5G>A (NM_001318831.2); c.4317+5G>A (NM_001318829.2); and 1 more.
Identifiers: ClinVar variation 1006039 (VCV001006039.7), dbSNP rs2090635893, ClinGen allele CA2202019766.

ClinVar aggregate classification (germline): Uncertain significance. Review status: criteria provided, multiple submitters, no conflicts (2 of 4 stars). 2 submissions from 2 submitters: Uncertain significance (2). Last evaluated 2025-08-28.

Conditions:
Tuberous sclerosis 2 (TSC2). Identifiers: Orphanet 805, MedGen C1860707, MONDO:0013199, OMIM 613254.

Submissions (2):

GeneDx
Classification: Uncertain significance. Last evaluated: 2025-08-28. Review status: criteria provided, single submitter. Criteria: GeneDx Variant Classification Process June 2021. Collection method: clinical testing. Allele origin: germline. Affected: yes.
Comment: Not observed at significant frequency in large population cohorts (gnomAD); Has not been previously published as pathogenic or benign to our knowledge; In silico analysis suggests this variant may impact gene splicing. In the absence of RNA/functional studies, the actual effect of this sequence change is unknown.

Labcorp Genetics (formerly Invitae), Labcorp
Classification: Uncertain significance for Tuberous sclerosis 2. Last evaluated: 2023-10-28. Review status: criteria provided, single submitter. Criteria: Invitae Variant Classification Sherloc (09022015). Collection method: clinical testing. Allele origin: germline.
Comment: This sequence change falls in intron 36 of the TSC2 gene. It does not directly change the encoded amino acid sequence of the TSC2 protein. It affects a nucleotide within the consensus splice site. This variant is not present in population databases (gnomAD no frequency). This variant has not been reported in the literature in individuals affected with TSC2-related conditions. ClinVar contains an entry for this variant (Variation ID: 1006039). Variants that disrupt the consensus splice site are a relatively common cause of aberrant splicing (PMID: 17576681, 9536098). Algorithms developed to predict the effect of sequence changes on RNA splicing suggest that this variant may disrupt the consensus splice site. In summary, the available evidence is currently insufficient to determine the role of this variant in disease. Therefore, it has been classified as a Variant of Uncertain Significance.

Literature cited by the submitters: PubMed 17576681 (cited by Labcorp Genetics (formerly Invitae), Labcorp); PubMed 9536098 (cited by Labcorp Genetics (formerly Invitae), Labcorp).